The following is an entry in ClinVar:

ClinVar aggregate classification (germline): Uncertain significance (1 of 4 stars; one submission).

Conditions:
Ataxia-telangiectasia syndrome (AT). Also called: ATAXIA-TELANGIECTASIA, COMPLEMENTATION GROUP A; ATAXIA-TELANGIECTASIA, FRESNO VARIANT; Ataxia-telangiectasia; Ataxia-telangiectasia, complementation group D; AT, COMPLEMENTATION GROUP C; Ataxia-telangiectasia, complementation group E. Identifiers: Orphanet 100, MedGen C0004135, MONDO:0008840, OMIM 208900.

Submission:

Labcorp Genetics (formerly Invitae), Labcorp
Classification: Uncertain significance for Ataxia-telangiectasia syndrome. Last evaluated: 2021-08-27. Review status: criteria provided, single submitter. Criteria: Invitae Variant Classification Sherloc (09022015). Collection method: clinical testing. Allele origin: germline.
Comment: This sequence change replaces leucine with histidine at codon 1524 of the ATM protein (p.Leu1524His). The leucine residue is moderately conserved and there is a moderate physicochemical difference between leucine and histidine. This variant is not present in population databases (ExAC no frequency). This variant has not been reported in the literature in individuals affected with ATM-related conditions. Algorithms developed to predict the effect of missense changes on protein structure and function (SIFT, PolyPhen-2, Align-GVGD) all suggest that this variant is likely to be disruptive. In summary, the available evidence is currently insufficient to determine the role of this variant in disease. Therefore, it has been classified as a Variant of Uncertain Significance.

NM_000051.4(ATM):c.4571T>A (p.Leu1524His)

Gene: ATM (ATM serine/threonine kinase; plus strand). Cytogenetic location: 11q22.3.
Variant type: single nucleotide variant.
Coding change: c.4571T>A on transcript NM_000051.4 (MANE Select); coding-DNA position 4571, T replaced by A.
Protein change: p.Leu1524His; replaces leucine 1524 with histidine.
Molecular consequence: missense variant.
Genome position (GRCh38, 1-based): chr11:108,292,753, T>A. VCF-style: chr11-108292753-T-A. GRCh37 (hg19) VCF-style: chr11-108163480-T-A.
Other names: c.4571T>A, p.Leu1524His (NM_001351834.2); short protein forms L1524H.
Identifiers: ClinVar variation 524331 (VCV000524331.6), dbSNP rs1555099971, ClinGen allele CA382533894.